The following is an entry in ClinVar:

ClinVar aggregate classification (germline): Pathogenic (1 of 4 stars; one submission).

Submission:

Quest Diagnostics Nichols Institute San Juan Capistrano
Classification: Pathogenic. Last evaluated: 2024-01-25. Review status: criteria provided, single submitter. Criteria: ACMG/ClinGen CNV Guidelines, 2019. Collection method: clinical testing. Allele origin: unknown.
Comment: This loss involves several protein-coding genes. Haploinsufficiency of BAP1 is associated with autosomal dominant tumor predisposition syndrome 1 (TPDS1; OMIM 614327; CCID:006732; Pilarski 2022), and haploinsufficiency of TNNC1 has been proposed as a possible mechanism of disease for cardiac phenotypes (Chung 2011, Liu 2020). There are no similar copy number losses of this region in the general populations of the Database of Genomic Variants. Thus, based on current medical literature and gene count, this copy number variant (CNV) is classified as pathogenic. References: Chung et al., Cardiol Young. 2011 Jun;21(3):345-8. PMID: 21262074; Liu et al., Int J Cardiol. 2020 Mar 1:302:117-123. PMID: 31918855; Pilarski et al., GeneReviews [24 Mar 2022]. PMID: 27748099; Takasaki et al., Pediatr Res. 2018 Nov;84(5):733-742. PMID: 30188508

GRCh37/hg19 3p21.2-21.1(chr3:51962412-53969609)x1

Genes: ABHD14A (abhydrolase domain containing 14A; plus strand), ABHD14B (abhydrolase domain containing 14B; minus strand), ACTR8 (actin related protein 8; minus strand), ACY1 (aminoacylase 1; plus strand), ALAS1 (5'-aminolevulinate synthase 1; plus strand) and 42 more. Cytogenetic location: 3p21.2-21.1.
Variant type: copy number loss.
Change: copy number 1 (one copy instead of two) of chr3:51,962,412-53,969,609 (2.01 Mb, GRCh37 coordinates, 1-based), cytogenetic band 3p21.2-21.1.
Identifiers: ClinVar variation 3391879 (VCV003391879.1).